The following is an entry in ClinVar:

ClinVar aggregate classification (germline): Conflicting classifications of pathogenicity. Review status: criteria provided, conflicting classifications (1 of 4 stars). 4 submissions from 4 submitters: Uncertain significance (3); Likely benign (1). Last evaluated 2026-04-05.

Conditions:
BBS5-related disorder. Also called: BBS5-related condition.
Bardet-Biedl syndrome (BBS). Identifiers: Orphanet 110, MedGen C0752166, MONDO:0015229.
Bardet-Biedl syndrome 5 (BBS5). Identifiers: Orphanet 110, MedGen C3892039, MONDO:0014434, OMIM 615983.

Allele frequency attached by ClinVar (database versions not stated): gnomAD exomes 0.00002; ExAC 0.00003; gnomAD 0.00006 and 0.00007; TOPMed 0.00006.
gnomAD v4.1: 40 of 1,612,462 alleles (0.0025%); highest among the groups gnomAD compares: East Asian, 0.018%; 1 homozygote.

Submissions (4):

PreventionGenetics, part of Exact Sciences
Classification: Uncertain significance for BBS5-related condition. Last evaluated: 2026-04-05. Review status: criteria provided, single submitter. Criteria: ACMG Guidelines, 2015. Collection method: clinical testing. Allele origin: germline.
Comment: The BBS5 c.542T>C variant is predicted to result in the amino acid substitution p.Phe181Ser. To our knowledge, this variant has not been reported in the literature. At PreventionGenetics, this variant has been noted in four unrelated probands undergoing testing for childhood obesity and segregated with the disorder in one family. This variant is reported in 0.030% of alleles in individuals of East Asian descent in gnomAD. However, in gnomAD v4 (available only on GRCh38), this variant is reported in 0.0025% of total alleles, including one homozygote. This variant is classified as uncertain in ClinVar (ClinVar ID: 578815). At this time, the clinical significance of this variant is uncertain due to the absence of conclusive functional and genetic evidence.

Blueprint Genetics
Classification: Likely benign. Last evaluated: 2024-11-15. Review status: criteria provided, single submitter. Criteria: ACMG Guidelines, 2015. Collection method: clinical testing. Allele origin: germline.

Fulgent Genetics
Classification: Uncertain significance for Bardet-Biedl syndrome 5. Last evaluated: 2024-05-24. Review status: criteria provided, single submitter. Criteria: ACMG Guidelines, 2015. Collection method: clinical testing. Allele origin: germline.

Labcorp Genetics (formerly Invitae), Labcorp
Classification: Uncertain significance for Bardet-Biedl syndrome. Last evaluated: 2022-08-16. Review status: criteria provided, single submitter. Criteria: Invitae Variant Classification Sherloc (09022015). Collection method: clinical testing. Allele origin: germline.
Comment: This sequence change replaces phenylalanine, which is neutral and non-polar, with serine, which is neutral and polar, at codon 181 of the BBS5 protein (p.Phe181Ser). This variant is present in population databases (rs758508869, gnomAD 0.04%). This missense change has been observed in individual(s) with clinical features of retinitis pigmentosa (Invitae). ClinVar contains an entry for this variant (Variation ID: 578815). Algorithms developed to predict the effect of missense changes on protein structure and function (SIFT, PolyPhen-2, Align-GVGD) all suggest that this variant is likely to be disruptive. In summary, the available evidence is currently insufficient to determine the role of this variant in disease. Therefore, it has been classified as a Variant of Uncertain Significance.

NM_152384.3(BBS5):c.542T>C (p.Phe181Ser)

Gene: BBS5 (Bardet-Biedl syndrome 5; plus strand). Cytogenetic location: 2q31.1.
Variant type: single nucleotide variant.
Coding change: c.542T>C on transcript NM_152384.3 (MANE Select); coding-DNA position 542, T replaced by C.
Protein change: p.Phe181Ser; replaces phenylalanine 181 with serine.
Molecular consequence: missense variant.
Genome position (GRCh38, 1-based): chr2:169,493,760, T>C. VCF-style: chr2-169493760-T-C. GRCh37 (hg19) VCF-style: chr2-170350270-T-C.
Other names: short protein forms F181S.
Identifiers: ClinVar variation 578815 (VCV000578815.9), dbSNP rs758508869, ClinGen allele CA1956235.
Genomic context (GRCh38, chr2:169,493,760, plus strand): 5'-AAAAAATGATCATTTCGGTATCTCATTACTGTTTTTTACAGGGCAATTTAGGAACCTTTT[T>C]TATTACCAATGTGAGAATTGTGTGGCATGCAAATATGAATGATAGTTTTAATGTCAGTAT-3'
Protein context (NP_689597.1, residues 171-191): SSDQGNLGTF[Phe181Ser]ITNVRIVWHA